The following is an entry in ClinVar:

ClinVar aggregate classification (germline): Uncertain significance (1 of 4 stars; one submission).

Conditions:
Duchenne muscular dystrophy (DMD). Also called: MUSCULAR DYSTROPHY, PSEUDOHYPERTROPHIC PROGRESSIVE, DUCHENNE TYPE; Duchenne Muscular Dystrophy (DMD). Identifiers: Orphanet 98896, MedGen C0013264, MONDO:0010679, OMIM 310200.

Submission:

Labcorp Genetics (formerly Invitae), Labcorp
Classification: Uncertain significance for Duchenne muscular dystrophy. Last evaluated: 2021-08-02. Review status: criteria provided, single submitter. Criteria: Invitae Variant Classification Sherloc (09022015). Collection method: clinical testing. Allele origin: germline.
Comment: This sequence change replaces serine with glycine at codon 142 of the DMD protein (p.Ser142Gly). The serine residue is highly conserved and there is a small physicochemical difference between serine and glycine. This variant is not present in population databases (ExAC no frequency). This variant has not been reported in the literature in individuals affected with DMD-related conditions. Algorithms developed to predict the effect of missense changes on protein structure and function (SIFT, PolyPhen-2, Align-GVGD) all suggest that this variant is likely to be tolerated. In summary, the available evidence is currently insufficient to determine the role of this variant in disease. Therefore, it has been classified as a Variant of Uncertain Significance.

NM_004006.3(DMD):c.424A>G (p.Ser142Gly)

Gene: DMD (dystrophin; minus strand). Cytogenetic location: Xp21.1.
Variant type: single nucleotide variant.
Coding change: c.424A>G on transcript NM_004006.3 (MANE Select); coding-DNA position 424, A replaced by G.
Protein change: p.Ser142Gly; replaces serine 142 with glycine.
Molecular consequence: missense variant.
Genome position (GRCh38, 1-based): chrX:32,816,574, T>C on the plus strand (A>G on the coding strand, the complement: DMD is on the minus strand). VCF-style: chrX-32816574-T-C. GRCh37 (hg19) VCF-style: chrX-32834691-T-C.
Other names: c.400A>G, p.Ser134Gly (NM_000109.4); c.412A>G, p.Ser138Gly (NM_004009.3); c.55A>G, p.Ser19Gly (NM_004010.3); short protein forms S19G, S142G, S134G, S138G.
Identifiers: ClinVar variation 1380903 (VCV001380903.6), dbSNP rs1010307830, ClinGen allele CA412674244.